The following is an entry in ClinVar:

NM_006341.4(MAD2L2):c.332+11C>G

Gene: MAD2L2 (mitotic arrest deficient 2 like 2; minus strand). Cytogenetic location: 1p36.22.
Variant type: single nucleotide variant.
Coding change: c.332+11C>G on transcript NM_006341.4 (MANE Select); 11 bases into the intron after coding-DNA position 332, C replaced by G.
Molecular consequence: intron variant.
Genome position (GRCh38, 1-based): chr1:11,676,837, G>C on the plus strand (C>G on the coding strand, the complement: MAD2L2 is on the minus strand). VCF-style: chr1-11676837-G-C. GRCh37 (hg19) VCF-style: chr1-11736894-G-C.
Other names: c.332+11C>G (NM_001127325.2).
Identifiers: ClinVar variation 2734215 (VCV002734215.3), dbSNP rs2521918977, ClinGen allele CA338416506.

ClinVar aggregate classification (germline): Uncertain significance (1 of 4 stars; one submission).

Submission:

Labcorp Genetics (formerly Invitae), Labcorp
Classification: Uncertain significance. Last evaluated: 2023-07-12. Review status: criteria provided, single submitter. Criteria: Invitae Variant Classification Sherloc (09022015). Collection method: clinical testing. Allele origin: germline.
Comment: This sequence change falls in intron 5 of the MAD2L2 gene. It does not directly change the encoded amino acid sequence of the MAD2L2 protein. In summary, the available evidence is currently insufficient to determine the role of this variant in disease. Therefore, it has been classified as a Variant of Uncertain Significance. Algorithms developed to predict the effect of sequence changes on RNA splicing suggest that this variant may create or strengthen a splice site. This variant has not been reported in the literature in individuals affected with MAD2L2-related conditions. This variant is not present in population databases (gnomAD no frequency).